The following is an entry in ClinVar:

NM_001283009.2(RTEL1):c.2722A>T (p.Ser908Cys)

Genes: RTEL1 (regulator of telomere elongation helicase 1; plus strand), RTEL1-TNFRSF6B (RTEL1-TNFRSF6B readthrough (NMD candidate); plus strand). Cytogenetic location: 20q13.33.
Variant type: single nucleotide variant.
Coding change: c.2722A>T on transcript NM_001283009.2 (MANE Select); coding-DNA position 2722, A replaced by T.
Protein change: p.Ser908Cys; replaces serine 908 with cysteine.
Molecular consequence: missense variant. On other transcripts: non-coding transcript variant (1).
Genome position (GRCh38, 1-based): chr20:63,692,874, A>T. VCF-style: chr20-63692874-A-T. GRCh37 (hg19) VCF-style: chr20-62324227-A-T.
Other names: c.2053A>T, p.Ser685Cys (NM_001283010.1); c.2722A>T, p.Ser908Cys (NM_016434.4); c.2794A>T, p.Ser932Cys (NM_032957.5); short protein forms S685C, S908C, S932C.
Identifiers: ClinVar variation 1310757 (VCV001310757.4), dbSNP rs2090787000, ClinGen allele CA409682910.

ClinVar aggregate classification (germline): Uncertain significance. Review status: criteria provided, multiple submitters, no conflicts (2 of 4 stars). 2 submissions from 2 submitters: Uncertain significance (2). Last evaluated 2025-03-29.

Conditions:
Inborn genetic diseases. Identifiers: MedGen C0950123, MeSH D030342.

Allele frequency attached by ClinVar (database versions not stated): gnomAD exomes below 0.00001.

Submissions (2):

Ambry Genetics
Classification: Uncertain significance for Inborn genetic diseases. Last evaluated: 2025-03-29. Review status: criteria provided, single submitter. Criteria: Ambry Variant Classification Scheme 2023. Collection method: clinical testing. Allele origin: germline.
Comment: The p.S908C variant (also known as c.2722A>T), located in coding exon 28 of the RTEL1 gene, results from an A to T substitution at nucleotide position 2722. The serine at codon 908 is replaced by cysteine, an amino acid with dissimilar properties. This amino acid position is conserved. In addition, the in silico prediction for this alteration is inconclusive. Based on the available evidence, the clinical significance of this variant remains unclear.

GeneDx
Classification: Uncertain significance. Last evaluated: 2024-12-23. Review status: criteria provided, single submitter. Criteria: GeneDx Variant Classification Process June 2021. Collection method: clinical testing. Allele origin: germline. Affected: yes.
Comment: Not observed at significant frequency in large population cohorts (gnomAD); In silico analysis supports that this missense variant has a deleterious effect on protein structure/function; Has not been previously published as pathogenic or benign to our knowledge